The following is an entry in ClinVar:

NM_001267550.2(TTN):c.79844_79848del (p.Pro26615fs)

Genes: TTN (titin; minus strand), TTN-AS1 (TTN antisense RNA 1; plus strand). Cytogenetic location: 2q31.2.
Variant type: Microsatellite.
Coding change: c.79844_79848del on transcript NM_001267550.2 (MANE Select); coding-DNA positions 79844 to 79848, 5 bases deleted (CATTC; older notation c.79844_79848delCATTC).
Protein change: p.Pro26615fs; shifts the reading frame from proline 26615.
Molecular consequence: frameshift variant.
Genome position (GRCh38, 1-based): chr2:178,566,284-178,566,288, GAATG deleted on the plus strand (CATTC on the coding strand, the reverse complement: TTN is on the minus strand); deleting any 5 consecutive bases within chr2:178,566,284-178,566,293 gives the same sequence; the c. name uses the placement nearest the transcript's 3' end. VCF-style (leftmost placement, unchanged base first): chr2-178566283-TGAATG-T. GRCh37 (hg19) VCF-style: chr2-179431010-TGAATG-T.
Other names: c.74921_74925del, p.Pro24974fs (NM_001256850.1); c.52649_52653del, p.Pro17550fs (NM_003319.4); c.72140_72144del, p.Pro24047fs (NM_133378.4); c.53024_53028del, p.Pro17675fs (NM_133432.3); c.53225_53229del, p.Pro17742fs (NM_133437.4); short protein forms P17550fs, P17675fs, P17742fs, P24047fs, P24974fs, P26615fs.
Identifiers: ClinVar variation 2949519 (VCV002949519.5), dbSNP rs2468278934, ClinGen allele CA913089520.
Genomic context (GRCh38, chr2:178,566,283, plus strand): 5'-CCTTATCTGTGAATTCACCTTCCTCTCGAGACCAAGTGATCTCAGGCGTTGGACGACCTT[TGAATG>T]GAATGTGAATTCTGGCAGATCCACCAGCTCTTACAACAATTCCTTTTCTTAATTCGGAGT-3'

ClinVar aggregate classification (germline): Likely pathogenic. Review status: criteria provided, multiple submitters, no conflicts (2 of 4 stars). 3 submissions from 3 submitters: Likely pathogenic (3). Last evaluated 2024-03-01.

Conditions:
Dilated cardiomyopathy 1G (CMD1G). Identifiers: Orphanet 154, MedGen C1858763, MONDO:0011400, OMIM 604145.
Autosomal recessive limb-girdle muscular dystrophy type 2J (LGMDR10). Also called: Limb-girdle muscular dystrophy, type 2J; MUSCULAR DYSTROPHY, LIMB-GIRDLE, AUTOSOMAL RECESSIVE 10. Identifiers: Orphanet 140922, MedGen C1837342, MONDO:0012127, OMIM 608807.
Primary dilated cardiomyopathy (DCM). Also called: Dilated Cardiomyopathy. Identifiers: Orphanet 217604, MedGen C0007193, MeSH D002311, MONDO:0005021, HP:0001644. Inheritance: Various modes of inheritance.
TTN-related disorder. Also called: TTN-related disorders; TTN-related condition; TTN-related disease.

Submissions (3):

Lildballe Lab, Aarhus University Hospital
Classification: Likely pathogenic for dilated cardiomyopathy. Last evaluated: 2024-03-01. Review status: criteria provided, single submitter. Criteria: ACMG Guidelines, 2015. Collection method: research. Allele origin: germline. Affected: yes.
Comment: PVS1(vs), PM2(sup)

Labcorp Genetics (formerly Invitae), Labcorp
Classification: Likely pathogenic for Dilated cardiomyopathy 1G; Autosomal recessive limb-girdle muscular dystrophy type 2J. Last evaluated: 2023-09-26. Review status: criteria provided, single submitter. Criteria: Invitae Variant Classification Sherloc (09022015). Collection method: clinical testing. Allele origin: germline.
Comment: This variant is not present in population databases (gnomAD no frequency). This premature translational stop signal has been observed in individual(s) with dilated cardiomyopathy (Invitae). In summary, the currently available evidence indicates that the variant is pathogenic, but additional data are needed to prove that conclusively. Therefore, this variant has been classified as Likely Pathogenic. This sequence change creates a premature translational stop signal (p.Pro26615Glnfs*7) in the TTN gene. While this is not anticipated to result in nonsense mediated decay, it is expected to create a truncated TTN protein. This variant is located in the A band of TTN (PMID: 25589632). Truncating variants in this region are significantly overrepresented in patients affected with dilated cardiomyopathy (PMID: 25589632). Truncating variants in this region have also been reported in individuals affected with autosomal recessive centronuclear myopathy (PMID: 23975875).

Blueprint Genetics
Classification: Likely pathogenic for TTN-related disorders. Last evaluated: 2020-06-16. Review status: criteria provided, single submitter. Criteria: ACMG Guidelines, 2015. Collection method: clinical testing. Allele origin: germline. Affected: yes. Observed: 1 variant allele.

Literature cited by the submitters: PubMed 25741940 (cited by Lildballe Lab, Aarhus University Hospital); PubMed 39481677 (cited by Lildballe Lab, Aarhus University Hospital); PubMed 25589632 (cited by Labcorp Genetics (formerly Invitae), Labcorp); PubMed 23975875 (cited by Labcorp Genetics (formerly Invitae), Labcorp).